The following is an entry in ClinVar:

ClinVar aggregate classification (germline): Uncertain significance. Review status: criteria provided, multiple submitters, no conflicts (2 of 4 stars). 3 submissions from 3 submitters: Uncertain significance (2). 1 of the submissions does not count toward it. Last evaluated 2025-03-13.

Conditions:
Primary ciliary dyskinesia. Also called: Ciliary dyskinesia. Identifiers: Orphanet 244, MedGen C0008780, MONDO:0016575, HP:0012265.

Allele frequency attached by ClinVar (database versions not stated): gnomAD exomes 0.00001; ExAC 0.00002; TOPMed 0.00002.
gnomAD v4.1: 12 of 1,613,818 alleles (0.00074%); highest among the groups gnomAD compares: Middle Eastern, 0.066%; no homozygotes.

Submissions (3):

Ambry Genetics
Classification: Uncertain significance for Primary ciliary dyskinesia. Last evaluated: 2025-03-13. Review status: criteria provided, single submitter. Criteria: Ambry Variant Classification Scheme 2023. Collection method: clinical testing. Allele origin: germline.
Comment: The p.V289A variant (also known as c.866T>C), located in coding exon 7 of the DNAI2 gene, results from a T to C substitution at nucleotide position 866. The valine at codon 289 is replaced by alanine, an amino acid with similar properties. This amino acid position is conserved. In addition, this alteration is predicted to be deleterious by in silico analysis. Based on the available evidence, the clinical significance of this variant remains unclear.

Labcorp Genetics (formerly Invitae), Labcorp
Classification: Uncertain significance for Primary ciliary dyskinesia. Last evaluated: 2022-02-24. Review status: criteria provided, single submitter. Criteria: Invitae Variant Classification Sherloc (09022015). Collection method: clinical testing. Allele origin: germline.
Comment: This sequence change replaces valine, which is neutral and non-polar, with alanine, which is neutral and non-polar, at codon 289 of the DNAI2 protein (p.Val289Ala). This variant is present in population databases (rs761883293, gnomAD 0.002%). This variant has not been reported in the literature in individuals affected with DNAI2-related conditions. ClinVar contains an entry for this variant (Variation ID: 970143). Algorithms developed to predict the effect of missense changes on protein structure and function are either unavailable or do not agree on the potential impact of this missense change (SIFT: "Deleterious"; PolyPhen-2: "Possibly Damaging"; Align-GVGD: "Class C0"). In summary, the available evidence is currently insufficient to determine the role of this variant in disease. Therefore, it has been classified as a Variant of Uncertain Significance.

Natera, Inc.
Classification: Uncertain significance for Primary ciliary dyskinesia. Last evaluated: 2020-01-24. Review status: no assertion criteria provided. Collection method: clinical testing. Allele origin: germline. Not counted in ClinVar's aggregate classification.

NM_023036.6(DNAI2):c.866T>C (p.Val289Ala)

Gene: DNAI2 (dynein axonemal intermediate chain 2; plus strand). Cytogenetic location: 17q25.1.
Variant type: single nucleotide variant.
Coding change: c.866T>C on transcript NM_023036.6 (MANE Select); coding-DNA position 866, T replaced by C.
Protein change: p.Val289Ala; replaces valine 289 with alanine.
Molecular consequence: missense variant. On other transcripts: non-coding transcript variant (1).
Genome position (GRCh38, 1-based): chr17:74,301,047, T>C. VCF-style: chr17-74301047-T-C. GRCh37 (hg19) VCF-style: chr17-72297186-T-C.
Other names: c.866T>C, p.Val289Ala (NM_001172810.3, NM_001353167.2); short protein forms V289A.
Identifiers: ClinVar variation 970143 (VCV000970143.9), dbSNP rs761883293, ClinGen allele CA8745536.